The following is an entry in ClinVar:

NM_145199.3(LIPT1):c.508G>A (p.Gly170Ser)

Genes: LIPT1 (lipoyltransferase 1; plus strand), MITD1 (microtubule interacting and trafficking domain containing 1; minus strand). Cytogenetic location: 2q11.2.
Variant type: single nucleotide variant.
Coding change: c.508G>A on transcript NM_145199.3 (MANE Select); coding-DNA position 508, G replaced by A.
Protein change: p.Gly170Ser; replaces glycine 170 with serine.
Molecular consequence: missense variant. On other transcripts: non-coding transcript variant (2).
Genome position (GRCh38, 1-based): chr2:99,162,465, G>A. VCF-style: chr2-99162465-G-A. GRCh37 (hg19) VCF-style: chr2-99778928-G-A.
Other names: c.508G>A (NM_001204830.1); c.508G>A, p.Gly170Ser (NM_001204830.2, NM_015929.4, NM_145197.3 and 1 more transcripts); short protein forms G170S.
Identifiers: ClinVar variation 392413 (VCV000392413.3), dbSNP rs1057524480, ClinGen allele CA16604402.
Genomic context (GRCh38, chr2:99,162,465, plus strand): 5'-AAAAGATTTGACCTTTTACTTGATGGACAGTTTAAAATCTCAGGAACAGCTTCTAAGATC[G>A]GCCGGACTACTGCCTATCACCATTGCACTTTATTATGTAGTACTGATGGGACGTTCTTGT-3'
Protein context (NP_660200.1, residues 160-180): FKISGTASKI[Gly170Ser]RTTAYHHCTL

ClinVar aggregate classification (germline): Uncertain significance. Review status: criteria provided, multiple submitters, no conflicts (2 of 4 stars). 2 submissions from 2 submitters: Uncertain significance (2). Last evaluated 2025-08-09.

Conditions:
Inborn genetic diseases. Identifiers: MedGen C0950123, MeSH D030342.

Allele frequency attached by ClinVar (database versions not stated): gnomAD 0.00001; gnomAD exomes 0.00001 and 0.00002; TOPMed 0.00002.
gnomAD v4.1: 18 of 1,613,840 alleles (0.0011%); highest among the groups gnomAD compares: Middle Eastern, 0.033%; no homozygotes.

Submissions (2):

Ambry Genetics
Classification: Uncertain significance for Inborn genetic diseases. Last evaluated: 2025-08-09. Review status: criteria provided, single submitter. Criteria: Ambry Variant Classification Scheme 2023. Collection method: clinical testing. Allele origin: germline.

GeneDx
Classification: Uncertain significance. Last evaluated: 2017-01-12. Review status: criteria provided, single submitter. Criteria: GeneDx Variant Classification (06012015). Collection method: clinical testing. Allele origin: germline. Affected: yes.
Comment: The G170S variant in the LIPT1 gene has not been reported previously as a pathogenic variant, nor as a benign variant, to our knowledge. The G170S variant was not observed in approximately 6,500 individuals of European and African American ancestry in the NHLBI Exome Sequencing Project, indicating it is not a common benign variant in these populations. The G170S variant is a non-conservative amino acid substitution, which is likely to impact secondary protein structure as these residues differ in polarity, charge, size and/or other properties. This substitution occurs at a position that is conserved in mammals, and in silico analysis predicts this variant is probably damaging to the protein structure/function. We interpret G170S as a variant of uncertain significance.